The following is an entry in ClinVar:

NM_001375524.1(TRRAP):c.8662G>A (p.Ala2888Thr)

Gene: TRRAP (transformation/transcription domain associated protein; plus strand). Cytogenetic location: 7q22.1.
Variant type: single nucleotide variant.
Coding change: c.8662G>A on transcript NM_001375524.1 (MANE Select); coding-DNA position 8662, G replaced by A.
Protein change: p.Ala2888Thr; replaces alanine 2888 with threonine.
Molecular consequence: missense variant.
Genome position (GRCh38, 1-based): chr7:98,981,796, G>A. VCF-style: chr7-98981796-G-A. GRCh37 (hg19) VCF-style: chr7-98579419-G-A.
Other names: c.8641G>A, p.Ala2881Thr (NM_001244580.2); c.8587G>A, p.Ala2863Thr (NM_003496.4); short protein forms A2863T, A2881T, A2888T.
Identifiers: ClinVar variation 3770054 (VCV003770054.1).

ClinVar aggregate classification (germline): Uncertain significance (1 of 4 stars; one submission).

gnomAD v4.1: 1 of 1,606,326 alleles (0.000062%); highest among the groups gnomAD compares: Non-Finnish European, 0.000085%; no homozygotes.

Submission:

GeneDx
Classification: Uncertain significance. Last evaluated: 2024-09-11. Review status: criteria provided, single submitter. Criteria: GeneDx Variant Classification Process June 2021. Collection method: clinical testing. Allele origin: germline. Affected: yes.
Comment: Not observed at significant frequency in large population cohorts (gnomAD); In silico analysis indicates that this missense variant does not alter protein structure/function; Has not been previously published as pathogenic or benign to our knowledge.